The following is an entry in ClinVar:

ClinVar aggregate classification (germline): Likely benign. Review status: criteria provided, single submitter (1 of 4 stars). 3 submissions from 3 submitters: Likely benign (1). 2 of the submissions do not count toward it.

Conditions:
Cohen syndrome (COH1). Also called: Cutis verticis gyrata, retinitis pigmentosa, and sensorineural deafness; PEPPER SYNDROME. Identifiers: Orphanet 193, MedGen C0265223, MONDO:0008999, OMIM 216550.
VPS13B-related disorder. Also called: VPS13B-related condition.

Allele frequency attached by ClinVar (database versions not stated): ExAC 0.00003; gnomAD exomes 0.00003.
gnomAD v4.1: 48 of 1,613,044 alleles (0.003%); highest among the groups gnomAD compares: Middle Eastern, 0.46%; 1 homozygote.

Submissions (3):

Breakthrough Genomics
Classification: Likely benign. Review status: criteria provided, single submitter. Criteria: ACMG Guidelines, 2015. Collection method: not provided. Allele origin: germline. Inheritance: Autosomal recessive inheritance. Affected: yes.

PreventionGenetics, part of Exact Sciences
Classification: Likely benign for VPS13B-related condition. Last evaluated: 2019-05-01. Review status: no assertion criteria provided. Collection method: clinical testing. Allele origin: germline. Not counted in ClinVar's aggregate classification.
Comment: This variant is classified as likely benign based on ACMG/AMP sequence variant interpretation guidelines (Richards et al. 2015 PMID: 25741868, with internal and published modifications).

Service de Génétique Moléculaire, Hôpital Robert Debré
Classification: Likely benign for Cohen syndrome. Review status: no assertion criteria provided. Collection method: clinical testing. Allele origin: unknown. Affected: yes. Not counted in ClinVar's aggregate classification.

NM_152564.5(VPS13B):c.4950-29G>A

Gene: VPS13B (vacuolar protein sorting 13 homolog B; plus strand). Cytogenetic location: 8q22.2.
Variant type: single nucleotide variant.
Coding change: c.4950-29G>A on transcript NM_152564.5 (MANE Select); 29 bases into the intron before coding-DNA position 4950, G replaced by A.
Molecular consequence: intron variant.
Genome position (GRCh38, 1-based): chr8:99,575,629, G>A. VCF-style: chr8-99575629-G-A. GRCh37 (hg19) VCF-style: chr8-100587857-G-A.
Other names: c.5025-29G>A (NM_017890.5); c.4950-29G>A (NM_152564.4).
Identifiers: ClinVar variation 977837 (VCV000977837.4), dbSNP rs773932376, ClinGen allele CA4823698.